The following is an entry in ClinVar:

ClinVar aggregate classification (germline): Uncertain significance (1 of 4 stars; one submission).

Allele frequency attached by ClinVar (database versions not stated): gnomAD 0.00001.
gnomAD v4.1: 5 of 1,614,080 alleles (0.00031%); highest among the groups gnomAD compares: Admixed American, 0.0017%; no homozygotes.

Submission:

ARUP Laboratories, Molecular Genetics and Genomics, ARUP Laboratories
Classification: Uncertain significance. Last evaluated: 2022-02-28. Review status: criteria provided, single submitter. Criteria: ARUP Molecular Germline Variant Investigation Process 2021. Collection method: clinical testing. Allele origin: germline.
Comment: The MEFV c.1519G>A; p.Ala507Thr variant (rs1958953126), to our knowledge, is not reported in the medical literature or gene specific databases. This variant is also absent from the Genome Aggregation Database, indicating it is not a common polymorphism. The alanine at codon 507 is moderately conserved, and computational analyses are uncertain whether this variant is neutral or deleterious (REVEL: 0.181). Due to limited information, the clinical significance of this variant is uncertain at this time.

NM_000243.3(MEFV):c.1519G>A (p.Ala507Thr)

Gene: MEFV (MEFV innate immunity regulator, pyrin; minus strand). Cytogenetic location: 16p13.3.
Variant type: single nucleotide variant.
Coding change: c.1519G>A on transcript NM_000243.3 (MANE Select); coding-DNA position 1519, G replaced by A.
Protein change: p.Ala507Thr; replaces alanine 507 with threonine.
Molecular consequence: missense variant.
Genome position (GRCh38, 1-based): chr16:3,247,084, C>T on the plus strand (G>A on the coding strand, the complement: MEFV is on the minus strand). VCF-style: chr16-3247084-C-T. GRCh37 (hg19) VCF-style: chr16-3297084-C-T.
Other names: c.886G>A, p.Ala296Thr (NM_001198536.2); short protein forms A296T, A507T.
Identifiers: ClinVar variation 2428595 (VCV002428595.3), dbSNP rs1958953126, ClinGen allele CA394463594.